The following is an entry in ClinVar:

NM_001128178.3(NPHP1):c.165A>G (p.Ala55=)

Gene: NPHP1 (nephrocystin 1; minus strand). Cytogenetic location: 2q13.
Variant type: single nucleotide variant.
Coding change: c.165A>G on transcript NM_001128178.3 (MANE Select); coding-DNA position 165, A replaced by G.
Protein change: p.Ala55=; no amino-acid change (alanine 55 retained).
Molecular consequence: synonymous variant. On other transcripts: intron variant (1).
Genome position (GRCh38, 1-based): chr2:110,179,663, T>C on the plus strand (A>G on the coding strand, the complement: NPHP1 is on the minus strand). VCF-style: chr2-110179663-T-C. GRCh37 (hg19) VCF-style: chr2-110937240-T-C.
Other names: c.165A>G (NM_000272.3); c.165A>G, p.Ala55= (NM_000272.5, NM_001374256.1, NM_001374257.1 and 1 more transcripts); c.144-9665A>G (NM_001128179.3).
Identifiers: ClinVar variation 4956446 (VCV004956446.2).
Genomic context (GRCh38, chr2:110,179,663, plus strand): 5'-GTGATTAACCTCAATACTTACTTTGCTTAATTTTTGAAGAGCATTTTTATTTTCATCTAT[T>C]GCCTGCTTTAACTGGATACATCTAAATTAAGAAAAAAAAGAAAATATATTGATTTTTCTA-3'
Protein context (NP_001121650.1, residues 45-65): IYQRCIQLKQ[Ala55=]IDENKNALQK

ClinVar aggregate classification (germline): Likely benign. Review status: criteria provided, multiple submitters, no conflicts (2 of 4 stars). 2 submissions from 2 submitters: Likely benign (2). Last evaluated 2025-07-29.

Conditions:
NPHP1-related disorder. Also called: NPHP1-related condition; NPHP1-related disorders.

Submissions (2):

PreventionGenetics, part of Exact Sciences
Classification: Likely benign for NPHP1-related condition. Last evaluated: 2025-07-29. Review status: criteria provided, single submitter. Criteria: ACMG Guidelines, 2015. Collection method: clinical testing. Allele origin: germline.
Comment: This variant is classified as likely benign based on ACMG/AMP sequence variant interpretation guidelines (Richards et al. 2015 PMID: 25741868, with internal and published modifications).

Blueprint Genetics
Classification: Likely benign. Last evaluated: 2024-06-26. Review status: criteria provided, single submitter. Criteria: ACMG Guidelines, 2015. Collection method: clinical testing. Allele origin: germline.